The following is an entry in ClinVar:

NM_000384.3(APOB):c.9077A>T (p.Asn3026Ile)

Gene: APOB (apolipoprotein B; minus strand). Cytogenetic location: 2p24.1.
Variant type: single nucleotide variant.
Coding change: c.9077A>T on transcript NM_000384.3 (MANE Select); coding-DNA position 9077, A replaced by T.
Protein change: p.Asn3026Ile; replaces asparagine 3026 with isoleucine.
Molecular consequence: missense variant.
Genome position (GRCh38, 1-based): chr2:21,007,791, T>A on the plus strand (A>T on the coding strand, the complement: APOB is on the minus strand). VCF-style: chr2-21007791-T-A. GRCh37 (hg19) VCF-style: chr2-21230663-T-A.
Other names: short protein forms N3026I.
Identifiers: ClinVar variation 656976 (VCV000656976.31), dbSNP rs770981667, ClinGen allele CA066271.

ClinVar aggregate classification (germline): Conflicting classifications of pathogenicity. Review status: criteria provided, conflicting classifications (1 of 4 stars). 3 submissions from 3 submitters: Uncertain significance (2); Likely benign (1). Last evaluated 2025-11-19.

Conditions:
Cardiovascular phenotype. Identifiers: MedGen CN230736.
Familial hypobetalipoproteinemia 1. Also called: Hypobetalipoproteinemia, normotriglyceridemic; Acanthocytosis with hypobetalipoproteinemia; APOB-Related Familial Hypobetalipoproteinemia. Identifiers: MedGen C4551990, MONDO:0014252, OMIM 615558.
Hypercholesterolemia, autosomal dominant, type B (FHCL2). Also called: Familial Hypercholesterolemia Type B; APOLIPOPROTEIN B-100, FAMILIAL DEFECTIVE; APOLIPOPROTEIN B-100, FAMILIAL LIGAND-DEFECTIVE; HYPERCHOLESTEROLEMIA, FAMILIAL, DUE TO LIGAND-DEFECTIVE APOLIPOPROTEIN B; Familial hypercholesterolemia 2; APOB-Related Familial Hypercholesterolemia, Autosomal Dominant. Identifiers: MedGen C1704417, MONDO:0007751, OMIM 144010.

Allele frequency attached by ClinVar (database versions not stated): ExAC 0.00002; gnomAD 0.00003; TOPMed 0.00001.
gnomAD v4.1: 43 of 1,613,978 alleles (0.0027%); highest among the groups gnomAD compares: African/African-American, 0.004%; no homozygotes.

Submissions (3):

Ambry Genetics
Classification: Uncertain significance for Cardiovascular phenotype. Last evaluated: 2025-11-19. Review status: criteria provided, single submitter. Criteria: Ambry Variant Classification Scheme 2023. Collection method: clinical testing. Allele origin: germline.
Comment: The c.9077A>T (p.N3026I) alteration is located in exon 26 (coding exon 26) of the APOB gene. This alteration results from a A to T substitution at nucleotide position 9077, causing the asparagine (N) at amino acid position 3026 to be replaced by an isoleucine (I). Based on data from gnomAD, the T allele has an overall frequency of 0.002% (6/251044) total alleles studied. The highest observed frequency was 0.005% (6/113522) of European (non-Finnish) alleles. Based on insufficient or conflicting evidence, the clinical significance of this alteration remains unclear.

Labcorp Genetics (formerly Invitae), Labcorp
Classification: Likely benign for Familial hypobetalipoproteinemia 1; Hypercholesterolemia, autosomal dominant, type B. Last evaluated: 2025-07-22. Review status: criteria provided, single submitter. Criteria: Invitae Variant Classification Sherloc (09022015). Collection method: clinical testing. Allele origin: germline.

Fulgent Genetics
Classification: Uncertain significance for Hypercholesterolemia, autosomal dominant, type B; Familial hypobetalipoproteinemia 1. Last evaluated: 2021-10-01. Review status: criteria provided, single submitter. Criteria: ACMG Guidelines, 2015. Collection method: clinical testing. Allele origin: unknown.